The following is an entry in ClinVar:

ClinVar aggregate classification (germline): Uncertain significance (1 of 4 stars; one submission).

Conditions:
Inborn genetic diseases. Identifiers: MedGen C0950123, MeSH D030342.

gnomAD v4.1: 2 of 1,614,074 alleles (0.00012%); highest among the groups gnomAD compares: South Asian, 0.0022%; no homozygotes.

Submission:

Ambry Genetics
Classification: Uncertain significance for Inborn genetic diseases. Last evaluated: 2026-06-04. Review status: criteria provided, single submitter. Criteria: Ambry Variant Classification Scheme 2023. Collection method: clinical testing. Allele origin: germline.
Comment: The c.118C>G (p.R40G) alteration is located in exon 1 (coding exon 1) of the STX16 gene. This alteration results from a C to G substitution at nucleotide position 118, causing the arginine (R) at amino acid position 40 to be replaced by a glycine (G). Based on data from gnomAD, the G allele has an overall frequency of 0.001% (2/248896) total alleles studied. The highest observed frequency was 0.003% (1/30614) of South Asian alleles. Based on insufficient or conflicting evidence, the clinical significance of this alteration remains unclear.

NM_001001433.3(STX16):c.118C>G (p.Arg40Gly)

Genes: STX16 (syntaxin 16; plus strand), STX16-NPEPL1 (STX16-NPEPL1 readthrough (NMD candidate); plus strand). Cytogenetic location: 20q13.32.
Variant type: single nucleotide variant.
Coding change: c.118C>G on transcript NM_001001433.3 (MANE Select); coding-DNA position 118, C replaced by G.
Protein change: p.Arg40Gly; replaces arginine 40 with glycine.
Molecular consequence: missense variant. On other transcripts: non-coding transcript variant (2), 5 prime UTR variant (1), intron variant (2).
Genome position (GRCh38, 1-based): chr20:58,652,124, C>G. VCF-style: chr20-58652124-C-G. GRCh37 (hg19) VCF-style: chr20-57227180-C-G.
Other names: c.118C>G, p.Arg40Gly (NM_001134772.3); c.-42C>G (NM_001204868.2); c.81+37C>G (NM_001134773.3, NM_003763.6); short protein forms R40G.
Identifiers: ClinVar variation 4865231 (VCV004865231.1).